The following is an entry in ClinVar:

ClinVar aggregate classification (germline): Likely benign. Review status: criteria provided, multiple submitters, no conflicts (2 of 4 stars). 2 submissions from 2 submitters: Likely benign (2). Last evaluated 2025-10-29.

Conditions:
Mucopolysaccharidosis, MPS-III-A (MPS3A). Also called: Mucopolysaccharidosis type IIIA (Sanfilippo A); MUCOPOLYSACCHARIDOSIS, TYPE IIIA, ATTENUATED; HEPARAN SULFATE SULFATASE DEFICIENCY; SANFILIPPO SYNDROME A; SULFAMIDASE DEFICIENCY; MPS III A. Identifiers: Orphanet 581, Orphanet 79269, MedGen C0086647, MONDO:0009655, OMIM 252900.

Allele frequency attached by ClinVar (database versions not stated): gnomAD exomes below 0.00001; gnomAD 0.00001; TOPMed 0.00001; ESP Exome Variant Server 0.00008; ExAC 0.00002.
gnomAD v4.1: 3 of 1,598,990 alleles (0.00019%); highest among the groups gnomAD compares: African/African-American, 0.0027%; no homozygotes.

Submissions (2):

Women's Health and Genetics/Laboratory Corporation of America, LabCorp
Classification: Likely benign. Last evaluated: 2025-10-29. Review status: criteria provided, single submitter. Criteria: LabCorp Variant Classification Summary - May 2015. Collection method: clinical testing. Allele origin: germline.
Comment: Variant summary: SGSH c.664-13C>T alters a nucleotide located at a position not widely known to affect splicing. Consensus agreement among computation tools predict no significant impact on normal splicing. However, these predictions have yet to be confirmed by functional studies. The frequency data for this variant in gnomAD is considered unreliable, as metrics indicate poor data quality at this position. To our knowledge, no occurrence of c.664-13C>T in individuals affected with SGSH-related conditions and no experimental evidence demonstrating its impact on protein function have been reported. ClinVar contains an entry for this variant (Variation ID: 1594401). Based on the evidence outlined above, the variant was classified as likely benign.

Labcorp Genetics (formerly Invitae), Labcorp
Classification: Likely benign for Mucopolysaccharidosis, MPS-III-A. Last evaluated: 2025-10-26. Review status: criteria provided, single submitter. Criteria: Invitae Variant Classification Sherloc (09022015). Collection method: clinical testing. Allele origin: germline.

NM_000199.5(SGSH):c.664-13C>T

Gene: SGSH (N-sulfoglucosamine sulfohydrolase; minus strand). Cytogenetic location: 17q25.3.
Variant type: single nucleotide variant.
Coding change: c.664-13C>T on transcript NM_000199.5 (MANE Select); 13 bases into the intron before coding-DNA position 664, C replaced by T.
Molecular consequence: intron variant.
Genome position (GRCh38, 1-based): chr17:80,213,898, G>A on the plus strand (C>T on the coding strand, the complement: SGSH is on the minus strand). VCF-style: chr17-80213898-G-A. GRCh37 (hg19) VCF-style: chr17-78187697-G-A.
Other names: c.664-13C>T (NM_001352921.3, NM_001352922.2).
Identifiers: ClinVar variation 1594401 (VCV001594401.9), dbSNP rs368107414, ClinGen allele CA8817854.